The following is an entry in ClinVar:

NM_001114753.3(ENG):c.1531del (p.Ala511fs)

Genes: ENG (endoglin; minus strand), LOC102723566 (uncharacterized LOC102723566; plus strand). Cytogenetic location: 9q34.11.
Variant type: Deletion.
Coding change: c.1531del on transcript NM_001114753.3 (MANE Select); coding-DNA position 1531, one base deleted (G; older notation c.1531delG).
Protein change: p.Ala511fs; shifts the reading frame from alanine 511.
Molecular consequence: frameshift variant.
Genome position (GRCh38, 1-based): chr9:127,818,275, C deleted on the plus strand (G on the coding strand, the reverse complement: ENG is on the minus strand); the first of 3 consecutive C bases (chr9:127,818,275-127,818,277); deleting any one gives the same sequence. VCF-style (leftmost placement, unchanged base first): chr9-127818274-GC-G. GRCh37 (hg19) VCF-style: chr9-130580553-GC-G.
Other names: c.1529delG, p.Ala511Argfs (NM_000118.4); c.985del, p.Ala329fs (NM_001278138.2); short protein forms A329fs, A511fs.
Identifiers: ClinVar variation 1075836 (VCV001075836.9), dbSNP rs2131875912, ClinGen allele CA2499219634.
Genomic context (GRCh38, chr9:127,818,274, plus strand): 5'-CTGAAGCGCGGGTCACCCTCGGGGCTTGGGGACAGCAGGCTCACACAGTTGCCCTTGGCC[GC>G]CCGGCCCTGGATGAGTTCCACGGTGCCTCCCTCAGGCCCCAAGTCCAGGTGGCAGCTGTC-3'

ClinVar aggregate classification (germline): Pathogenic (1 of 4 stars; one submission).

Conditions:
Hereditary hemorrhagic telangiectasia (HHT). Also called: Osler hemorrhagic telangiectasia syndrome; ORW DISEASE; Osler Weber Rendu syndrome; OSLER-RENDU-WEBER DISEASE. Identifiers: Orphanet 774, MedGen C0039445, MONDO:0019180. Disease mechanism: loss of function.

Submission:

Labcorp Genetics (formerly Invitae), Labcorp
Classification: Pathogenic for Hereditary hemorrhagic telangiectasia. Last evaluated: 2020-05-20. Review status: criteria provided, single submitter. Criteria: Invitae Variant Classification Sherloc (09022015). Collection method: clinical testing. Allele origin: germline.
Comment: This variant has not been reported in the literature in individuals with ENG-related conditions. Loss-of-function variants in ENG are known to be pathogenic (PMID: 15879500). For these reasons, this variant has been classified as Pathogenic. This variant is not present in population databases (ExAC no frequency). This sequence change creates a premature translational stop signal (p.Ala511Argfs*7) in the ENG gene. It is expected to result in an absent or disrupted protein product.

Literature cited by the submitters: PubMed 15879500.